The following is an entry in ClinVar:

NM_000152.5(GAA):c.722_723del (p.Phe241fs)

Gene: GAA (alpha glucosidase; plus strand). Cytogenetic location: 17q25.3.
Variant type: Deletion.
Coding change: c.722_723del on transcript NM_000152.5 (MANE Select); coding-DNA positions 722 to 723, 2 bases deleted (TT; older notation c.722_723delTT).
Protein change: p.Phe241fs; shifts the reading frame from phenylalanine 241.
Molecular consequence: frameshift variant.
Genome position (GRCh38, 1-based): chr17:80,107,586-80,107,587, TT deleted; deleting any 2 consecutive bases within chr17:80,107,585-80,107,587 gives the same sequence; the c. name uses the placement nearest the transcript's 3' end. VCF-style (leftmost placement, unchanged base first): chr17-80107584-CTT-C. GRCh37 (hg19) VCF-style: chr17-78081383-CTT-C.
Other names: c.722_723del, p.Phe241fs (NM_001079803.3, NM_001079804.3); c.722_723delTT (NM_000152.4); c.722_723del (NM_000152.4); short protein forms F241fs.
Identifiers: ClinVar variation 932903 (VCV000932903.16), dbSNP rs2039116471, ClinGen allele CA658795235.

ClinVar aggregate classification (germline): Pathogenic. Review status: reviewed by expert panel (3 of 4 stars). 6 submissions from 6 submitters: Pathogenic (1). 5 of the submissions do not count toward it. Last evaluated 2020-01-21.

Conditions:
Glycogen storage disease, type II (IOPD). Also called: Pompe Disease; CARDIOMEGALIA GLYCOGENICA DIFFUSA; POMPE DISEASE, INFANTILE-ONSET; GLYCOGEN STORAGE DISEASE II, INFANTILE-ONSET; ACID ALPHA-GLUCOSIDASE DEFICIENCY, INFANTILE-ONSET; GAA DEFICIENCY, INFANTILE-ONSET. Identifiers: Orphanet 365, MedGen C0017921, MONDO:0009290, OMIM 232300.
Glycogen storage disease. Also called: Disorder of glycogen metabolism; glycogen storage disorder. Identifiers: Orphanet 79201, MedGen C0017919, MONDO:0002412.

Submissions (6):

ClinGen Lysosomal Storage Disorder Variant Curation Expert Panel
Classification: Pathogenic for Glycogen storage disease, type II. Last evaluated: 2020-01-21. Review status: reviewed by expert panel. Criteria: ClinGen LSD ACMG Specifications v1. Collection method: curation. Allele origin: germline. Inheritance: Autosomal recessive inheritance.
Comment: This variant, c.722_723del (p.Phe241CysfsTer), is a frameshift variant that is predicted to result in a premature termination codon, nonsense mediated decay, and lack of gene product. Therefore, PVS1 can be applied. This variant is absent in gnomAD v2.1.1, meeting PM2. It has been found in at least two patients with Pompe disease who meet the ClinGen LSD VCEP's specifications for PP4 (PMID 19775921). One of these patients is compound heterozygous for the variant and c.1687C>T (p.Gln563Ter), and the other is compound heterozygous for the variant and c.1754+1G>A. In both cases, the variants were confirmed to be in trans. This data meets PM3_Strong. Additional cases have been reported, but did not meet PP4 (PMID 28838325). There is no ClinVar entry for this variant. In summary, this variant meets the criteria to be classified as pathogenic for Pompe disease. GAA-specific ACMG/AMP criteria applied, as specified by the ClinGen LSD VCEP: PVS1, PM2, PM3_Strong, PP4.

Genomenon, Inc
Classification: Pathogenic for Glycogen storage disease, type II. Last evaluated: 2026-07-01. Review status: criteria provided, single submitter. Criteria: Genomenon Sequence Variant Interpretation Standards - Updated. Collection method: curation. Allele origin: germline. Affected: yes. Not counted in ClinVar's aggregate classification.
Comment: GAA p.Phe241CysfsTer88 (c.722_723del) is a frameshift variant that is predicted to introduce a premature termination codon and result in a truncated or absent protein product. This variant has been observed in at least one proband with a GAA-related disorder (PMID:22658377;25741864;22365055). It is absent or not present at a significant frequency in gnomAD. In conclusion, we classify GAA p.Phe241CysfsTer88 (c.722_723del) as a pathogenic variant.

Natera, Inc.
Classification: Pathogenic for Glycogen storage disease type II. Last evaluated: 2026-01-06. Review status: criteria provided, single submitter. Criteria: Natera Variant Classification Schema (03/2026). Collection method: clinical testing. Allele origin: germline. Not counted in ClinVar's aggregate classification.
Comment: The c.722_723del variant in GAA is a frameshift variant predicted to shift the reading frame beginning at codon 241 and leads to a stop codon 88 codons downstream. This variant is expected to result in nonsense mediated decay, truncation, or a dysfunctional protein product. This variant is rare in the general population with a frequency below the threshold expected for the associated phenotype(s). This variant has been observed in one or more individuals affected with the associated recessive disease, as either homozygous or compound heterozygous with a second variant (PMID: 25741864). Given the available evidence, this variant is classified as Pathogenic.

NHS Central & South Genomic Laboratory Hub
Classification: Pathogenic for Glycogen storage disease. Last evaluated: 2025-10-21. Review status: criteria provided, single submitter. Criteria: ACMG Guidelines, 2015. Collection method: clinical testing. Allele origin: germline. Affected: yes. Not counted in ClinVar's aggregate classification.

Labcorp Genetics (formerly Invitae), Labcorp
Classification: Pathogenic for Glycogen storage disease, type II. Last evaluated: 2025-09-16. Review status: criteria provided, single submitter. Criteria: Invitae Variant Classification Sherloc (09022015). Collection method: clinical testing. Allele origin: germline. Not counted in ClinVar's aggregate classification.
Comment: This sequence change creates a premature translational stop signal (p.Phe241Cysfs*88) in the GAA gene. It is expected to result in an absent or disrupted protein product. Loss-of-function variants in GAA are known to be pathogenic (PMID: 18425781, 22252923). This variant is not present in population databases (gnomAD no frequency). This premature translational stop signal has been observed in individual(s) with Pompe disease (PMID: 11949932, 18425781). This variant is also known as c.721_722delTT. ClinVar contains an entry for this variant (Variation ID: 932903). For these reasons, this variant has been classified as Pathogenic.

Women's Health and Genetics/Laboratory Corporation of America, LabCorp
Classification: Pathogenic for Glycogen storage disease, type II. Last evaluated: 2022-09-26. Review status: criteria provided, single submitter. Criteria: LabCorp Variant Classification Summary - May 2015. Collection method: clinical testing. Allele origin: germline. Not counted in ClinVar's aggregate classification.
Comment: Variant summary: GAA c.722_723delTT (p.Phe241CysfsX88) results in a premature termination codon, predicted to cause a truncation of the encoded protein or absence of the protein due to nonsense mediated decay, which are commonly known mechanisms for disease. Truncations downstream of this position have been classified as pathogenic by our laboratory. The variant was absent in 251118 control chromosomes. c.722_723delTT has been reported in the literature in individuals affected with Glycogen Storage Disease, Type 2 (Pompe Disease; examples: Kishnani_2010, Bali_2012, Kroos_2008, etc). These data indicate that the variant is likely to be associated with disease. Two clinical diagnostic laboratories have submitted clinical-significance assessments for this variant to ClinVar after 2014 without evidence for independent evaluation. All laboratories classified the variant as pathogenic. Based on the evidence outlined above, the variant was classified as pathogenic.

Literature cited by the submitters: PubMed 19775921 (cited by ClinGen Lysosomal Storage Disorder Variant Curation Expert Panel and Women's Health and Genetics/Laboratory Corporation of America, LabCorp); PubMed 28838325 (cited by ClinGen Lysosomal Storage Disorder Variant Curation Expert Panel); PubMed 22658377 (cited by Genomenon, Inc and Women's Health and Genetics/Laboratory Corporation of America, LabCorp); PubMed 25741864 (cited by 3 submitters); PubMed 22365055 (cited by Genomenon, Inc and Women's Health and Genetics/Laboratory Corporation of America, LabCorp); PubMed 18425781 (cited by Labcorp Genetics (formerly Invitae), Labcorp and Women's Health and Genetics/Laboratory Corporation of America, LabCorp); PubMed 22252923 (cited by Labcorp Genetics (formerly Invitae), Labcorp and Women's Health and Genetics/Laboratory Corporation of America, LabCorp); PubMed 11949932 (cited by Labcorp Genetics (formerly Invitae), Labcorp).